The following is an entry in ClinVar:

ClinVar aggregate classification (germline): Conflicting classifications of pathogenicity. Review status: criteria provided, conflicting classifications (1 of 4 stars). 2 submissions from 2 submitters: Likely pathogenic (1); Uncertain significance (1). Last evaluated 2021-06-29.

Conditions:
Congenital myotonia, autosomal dominant form (THD). Also called: THOMSEN DISEASE; Myotonia congenita autosomal dominant. Identifiers: Orphanet 614, MedGen C2936781, MONDO:0008055, OMIM 160800.
Congenital myotonia, autosomal recessive form. Also called: Becker Generalized Myotonia; myotonia congenita, autosomal recessive; BECKER DISEASE. Identifiers: Orphanet 614, MedGen C0751360, MONDO:0009715, OMIM 255700.

Submissions (2):

Pediatrics, MediClubGeorgia
Classification: Likely pathogenic for Congenital myotonia, autosomal dominant form. Last evaluated: 2021-06-29. Review status: criteria provided, single submitter. Criteria: ACMG Guidelines, 2015. Collection method: clinical testing. Allele origin: paternal. Inheritance: Autosomal dominant inheritance. Affected: yes. Observed: 1 variant allele, 1 heterozygote.
Comment: This sequence change replaces serine with phenylalanine at codon 264 of the CLCN1 protein (p.Ser264Phe). The serine residue is weakly conserved and there is a large physicochemical difference between serine and phenylalanine. This variant is absent in population databases (ExAC no frequency). This variant has not been reported in the literature in affected. SIFT - deleterious, PolyPhen - Benign, Mutationtaster - Diseases causing.

Labcorp Genetics (formerly Invitae), Labcorp
Classification: Uncertain significance for Congenital myotonia, autosomal recessive form; Congenital myotonia, autosomal dominant form. Last evaluated: 2021-06-21. Review status: criteria provided, single submitter. Criteria: Invitae Variant Classification Sherloc (09022015). Collection method: clinical testing. Allele origin: germline.
Comment: This variant is not present in population databases (ExAC no frequency). In summary, the available evidence is currently insufficient to determine the role of this variant in disease. Therefore, it has been classified as a Variant of Uncertain Significance. Algorithms developed to predict the effect of missense changes on protein structure and function (SIFT, PolyPhen-2, Align-GVGD) all suggest that this variant is likely to be tolerated, but these predictions have not been confirmed by published functional studies and their clinical significance is uncertain. This variant has not been reported in the literature in individuals with CLCN1-related conditions. This sequence change replaces serine with phenylalanine at codon 264 of the CLCN1 protein (p.Ser264Phe). The serine residue is weakly conserved and there is a large physicochemical difference between serine and phenylalanine.

NM_000083.3(CLCN1):c.791C>T (p.Ser264Phe)

Gene: CLCN1 (chloride voltage-gated channel 1; plus strand). Cytogenetic location: 7q34.
Variant type: single nucleotide variant.
Coding change: c.791C>T on transcript NM_000083.3 (MANE Select); coding-DNA position 791, C replaced by T.
Protein change: p.Ser264Phe; replaces serine 264 with phenylalanine.
Molecular consequence: missense variant. On other transcripts: non-coding transcript variant (1).
Genome position (GRCh38, 1-based): chr7:143,324,430, C>T. VCF-style: chr7-143324430-C-T. GRCh37 (hg19) VCF-style: chr7-143021523-C-T.
Other names: (p.Ser264Phe); short protein forms S264F.
Identifiers: ClinVar variation 1174590 (VCV001174590.10), dbSNP rs2116842824, ClinGen allele CA369687500.
Genomic context (GRCh38, chr7:143,324,430, plus strand): 5'-TCCCTCTCTTCCACCTGTTTCTCTGTCTGTCTCTCCCCTAGTAGCAGCCATACTACTACT[C>T]TGATATCCTGACGGTGGGCTGTGCTGTGGGAGTCGGCTGTTGTTTTGGGACACCACTTGG-3'
Protein context (NP_000074.3, residues 254-274): CGVYEQPYYY[Ser264Phe]DILTVGCAVG